The following is an entry in ClinVar:

ClinVar aggregate classification (germline): Uncertain significance. Review status: criteria provided, multiple submitters, no conflicts (2 of 4 stars). 2 submissions from 2 submitters: Uncertain significance (2). Last evaluated 2025-10-18.

Conditions:
Inborn genetic diseases. Identifiers: MedGen C0950123, MeSH D030342.

Allele frequency attached by ClinVar (database versions not stated): ExAC 0.00002.
gnomAD v4.1: 3 of 1,614,072 alleles (0.00019%); highest among the groups gnomAD compares: Non-Finnish European, 0.00025%; no homozygotes.

Submissions (2):

Ambry Genetics
Classification: Uncertain significance for Inborn genetic diseases. Last evaluated: 2025-10-18. Review status: criteria provided, single submitter. Criteria: Ambry Variant Classification Scheme 2023. Collection method: clinical testing. Allele origin: germline.

Labcorp Genetics (formerly Invitae), Labcorp
Classification: Uncertain significance. Last evaluated: 2021-12-08. Review status: criteria provided, single submitter. Criteria: Invitae Variant Classification Sherloc (09022015). Collection method: clinical testing. Allele origin: germline.
Comment: In summary, the available evidence is currently insufficient to determine the role of this variant in disease. Therefore, it has been classified as a Variant of Uncertain Significance. Algorithms developed to predict the effect of missense changes on protein structure and function are either unavailable or do not agree on the potential impact of this missense change (SIFT: "Tolerated"; PolyPhen-2: "Probably Damaging"; Align-GVGD: "Class C0"). This variant has not been reported in the literature in individuals affected with CUL7-related conditions. This variant is present in population databases (rs779937929, gnomAD 0.002%). This sequence change replaces proline, which is neutral and non-polar, with serine, which is neutral and polar, at codon 1521 of the CUL7 protein (p.Pro1521Ser).

NM_014780.5(CUL7):c.4561C>T (p.Pro1521Ser)

Gene: CUL7 (cullin 7; minus strand). Cytogenetic location: 6p21.1.
Variant type: single nucleotide variant.
Coding change: c.4561C>T on transcript NM_014780.5 (MANE Select); coding-DNA position 4561, C replaced by T.
Protein change: p.Pro1521Ser; replaces proline 1521 with serine.
Molecular consequence: missense variant.
Genome position (GRCh38, 1-based): chr6:43,038,572, G>A on the plus strand (C>T on the coding strand, the complement: CUL7 is on the minus strand). VCF-style: chr6-43038572-G-A. GRCh37 (hg19) VCF-style: chr6-43006310-G-A.
Other names: c.4657C>T, p.Pro1553Ser (NM_001168370.2, NM_001374872.1); c.4561C>T, p.Pro1521Ser (NM_001374873.1); c.4558C>T, p.Pro1520Ser (NM_001374874.1); c.4561C>T (NM_014780.4); short protein forms P1520S, P1521S, P1553S.
Identifiers: ClinVar variation 1948461 (VCV001948461.6), dbSNP rs779937929, ClinGen allele CA3813176.